The following is an entry in ClinVar:

NC_000018.9:g.(?_44085781)_(44143208_?)del

Gene: LOXHD1 (lipoxygenase homology PLAT domains 1; minus strand). Cytogenetic location: 18q21.1.
Variant type: Deletion.
Identifiers: ClinVar variation 3242815 (VCV003242815.1).

ClinVar aggregate classification (germline): Pathogenic (1 of 4 stars; one submission).

Submission:

Labcorp Genetics (formerly Invitae), Labcorp
Classification: Pathogenic. Last evaluated: 2023-05-17. Review status: criteria provided, single submitter. Criteria: Invitae Variant Classification Sherloc (09022015). Collection method: clinical testing. Allele origin: unknown.
Comment: For these reasons, this variant has been classified as Pathogenic. This variant disrupts a region of the LOXHD1 protein in which other variant(s) (p.Asp1094Gly) have been determined to be pathogenic (PMID: 27984600, 31547530, 33753533). This suggests that this is a clinically significant region of the protein, and that variants that disrupt it are likely to be disease-causing. This variant has not been reported in the literature in individuals affected with LOXHD1-related conditions. This variant is a gross deletion of the genomic region encompassing exon(s) 18-36 of the LOXHD1 gene. This variant would be expected to be in-frame, preserving the integrity of the reading frame.

Literature cited by the submitters: PubMed 27984600; PubMed 31547530; PubMed 33753533.